The following is an entry in ClinVar:

NM_033396.3(CNOT12):c.4491G>A (p.Leu1497=)

Gene: CNOT12 (CCR4-NOT transcription complex subunit 12; minus strand). Cytogenetic location: 11q12.1.
Variant type: single nucleotide variant.
Coding change: c.4491G>A on transcript NM_033396.3 (MANE Select); coding-DNA position 4491, G replaced by A.
Protein change: p.Leu1497=; no amino-acid change (leucine 1497 retained).
Molecular consequence: synonymous variant.
Genome position (GRCh38, 1-based): chr11:57,302,651, C>T on the plus strand (G>A on the coding strand, the complement: CNOT12 is on the minus strand). VCF-style: chr11-57302651-C-T. GRCh37 (hg19) VCF-style: chr11-57070125-C-T.
Identifiers: ClinVar variation 2641791 (VCV002641791.24), dbSNP rs138666146, ClinGen allele CA6003218.

ClinVar aggregate classification (germline): Likely benign (1 of 4 stars; one submission).

Allele frequency attached by ClinVar (database versions not stated): 1000 Genomes Project 30x 0.00062; 1000 Genomes Project 0.00080; gnomAD exomes 0.00131; gnomAD 0.00179; ESP Exome Variant Server 0.00192; TOPMed 0.00216; ExAC 0.00226.
gnomAD v4.1: 2,338 of 1,610,430 alleles (0.15%); highest among the groups gnomAD compares: Middle Eastern, 1.1%; 28 homozygotes.

Submission:

CeGaT Center for Human Genetics Tuebingen
Classification: Likely benign. Last evaluated: 2023-02-01. Review status: criteria provided, single submitter. Criteria: CeGaT Center For Human Genetics Tuebingen Variant Classification Criteria Version 2. Collection method: clinical testing. Allele origin: germline. Affected: yes. Observed: 1 variant allele.
Comment: CNOT12: BP4, BP7, BS2